The following is an entry in ClinVar:

ClinVar aggregate classification (germline): Uncertain significance (1 of 4 stars; one submission).

Allele frequency attached by ClinVar (database versions not stated): gnomAD 0.00001.
gnomAD v4.1: 1 of 1,614,010 alleles (0.000062%); highest among the groups gnomAD compares: Non-Finnish European, 0.000085%; no homozygotes.

Submission:

GeneDx
Classification: Uncertain significance. Last evaluated: 2019-09-06. Review status: criteria provided, single submitter. Criteria: GeneDx Variant Classification Process June 2021. Collection method: clinical testing. Allele origin: germline. Affected: yes.
Comment: Has not been previously published as pathogenic or benign to our knowledge; Not observed in large population cohorts (Lek et al., 2016); In silico analysis, which includes protein predictors and evolutionary conservation, supports that this variant does not alter protein structure/function

NM_001148.6(ANK2):c.8930C>G (p.Ser2977Cys)

Gene: ANK2 (ankyrin 2; plus strand). Cytogenetic location: 4q26.
Variant type: single nucleotide variant.
Coding change: c.8930C>G on transcript NM_001148.6 (MANE Select); coding-DNA position 8930, C replaced by G.
Protein change: p.Ser2977Cys; replaces serine 2977 with cysteine.
Molecular consequence: missense variant. On other transcripts: intron variant (68).
Genome position (GRCh38, 1-based): chr4:113,357,548, C>G. VCF-style: chr4-113357548-C-G. GRCh37 (hg19) VCF-style: chr4-114278704-C-G.
Other names: c.8696C>G, p.Ser2899Cys (NM_001386142.1); c.5330C>G, p.Ser1777Cys (NM_001386166.1); c.9071C>G, p.Ser3024Cys (NM_001386174.1); c.9047C>G, p.Ser3016Cys (NM_001386175.1); c.4412-3275C>G (NM_001386186.2, NM_001386148.2); c.4214-3275C>G (NM_001354269.3); c.4292-3275C>G (NM_001386187.2); c.4253-3275C>G (NM_001386147.1); and 35 more; short protein forms S1777C, S2899C, S2977C, S3016C, S3024C.
Identifiers: ClinVar variation 1318468 (VCV001318468.2), dbSNP rs939757661, ClinGen allele CA103817078.